The following is an entry in ClinVar:

ClinVar aggregate classification (germline): Likely pathogenic (1 of 4 stars; one submission).

gnomAD v4.1: 1 of 1,613,596 alleles (0.000062%); highest among the groups gnomAD compares: Non-Finnish European, 0.000085%; no homozygotes.

Submission:

GeneDx
Classification: Likely pathogenic. Last evaluated: 2023-11-19. Review status: criteria provided, single submitter. Criteria: GeneDx Variant Classification Process June 2021. Collection method: clinical testing. Allele origin: germline. Affected: yes.
Comment: Nonsense variant predicted to result in protein truncation or nonsense mediated decay in a gene for which loss of function is a known mechanism of disease; Not observed at significant frequency in large population cohorts (gnomAD); Has not been previously published as pathogenic or benign to our knowledge

NM_001199107.2(TBC1D24):c.192C>A (p.Cys64Ter)

Gene: TBC1D24 (TBC1 domain family member 24; plus strand). Cytogenetic location: 16p13.3.
Variant type: single nucleotide variant.
Coding change: c.192C>A on transcript NM_001199107.2 (MANE Select); coding-DNA position 192, C replaced by A.
Protein change: p.Cys64Ter; replaces cysteine 64 with a stop codon.
Molecular consequence: nonsense.
Genome position (GRCh38, 1-based): chr16:2,496,340, C>A. VCF-style: chr16-2496340-C-A. GRCh37 (hg19) VCF-style: chr16-2546341-C-A.
Other names: c.192C>A, p.Cys64Ter (NM_020705.3); short protein forms C64*.
Identifiers: ClinVar variation 422098 (VCV000422098.3), dbSNP rs878854271, ClinGen allele CA16620168.